The following is an entry in ClinVar:

NM_002850.4(PTPRS):c.3386C>G (p.Ala1129Gly)

Gene: PTPRS (protein tyrosine phosphatase receptor type S; minus strand). Cytogenetic location: 19p13.3.
Variant type: single nucleotide variant.
Coding change: c.3386C>G on transcript NM_002850.4 (MANE Select); coding-DNA position 3386, C replaced by G.
Protein change: p.Ala1129Gly; replaces alanine 1129 with glycine.
Molecular consequence: missense variant.
Genome position (GRCh38, 1-based): chr19:5,221,069, G>C on the plus strand (C>G on the coding strand, the complement: PTPRS is on the minus strand). VCF-style: chr19-5221069-G-C. GRCh37 (hg19) VCF-style: chr19-5221080-G-C.
Other names: c.3320C>G, p.Ala1107Gly (NM_001394011.1, NM_001394013.1, NM_130854.3); c.3347C>G, p.Ala1116Gly (NM_001394012.1); c.2093C>G, p.Ala698Gly (NM_130853.3); c.2105C>G, p.Ala702Gly (NM_130855.3); short protein forms A1107G, A1116G, A1129G, A698G, A702G.
Identifiers: ClinVar variation 3347954 (VCV003347954.1).

ClinVar aggregate classification (germline): Uncertain significance (0 of 4 stars; one submission).

Conditions:
PTPRS-related disorder. Also called: PTPRS-related condition.

Submission:

PreventionGenetics, part of Exact Sciences
Classification: Uncertain significance for PTPRS-related condition. Last evaluated: 2024-04-18. Review status: no assertion criteria provided. Collection method: clinical testing. Allele origin: germline.
Comment: The PTPRS c.3386C>G variant is predicted to result in the amino acid substitution p.Ala1129Gly. To our knowledge, this variant has not been reported in the literature or in a large population database, indicating this variant is rare. At this time, the clinical significance of this variant is uncertain due to the absence of conclusive functional and genetic evidence.